The following is an entry in ClinVar:

NM_001457.4(FLNB):c.6210del (p.Ile2070fs)

Gene: FLNB (filamin B; plus strand). Cytogenetic location: 3p14.3.
Variant type: Deletion.
Coding change: c.6210del on transcript NM_001457.4 (MANE Select); coding-DNA position 6210, one base deleted (C; older notation c.6210delC).
Protein change: p.Ile2070fs; shifts the reading frame from isoleucine 2070.
Molecular consequence: frameshift variant.
Genome position (GRCh38, 1-based): chr3:58,149,968, C deleted. VCF-style (leftmost placement, unchanged base first): chr3-58149967-TC-T. GRCh37 (hg19) VCF-style: chr3-58135694-TC-T.
Other names: c.6303del, p.Ile2101fs (NM_001164317.2); c.6177del, p.Ile2059fs (NM_001164318.2); c.6138del, p.Ile2046fs (NM_001164319.2); short protein forms I2059fs, I2101fs, I2046fs, I2070fs.
Identifiers: ClinVar variation 2850494 (VCV002850494.3), dbSNP rs2471210683, ClinGen allele CA2739279524.
Genomic context (GRCh38, chr3:58,149,967, plus strand): 5'-AGGACCTGGAAGATGGCACCTGCAAAGTCTCCTACTTCCCTACCGTGCCTGGGGTTTATA[TC>T]GTCTCCACCAAATTCGCTGACGAGCACGTGCCTGGTATGTGCATTCCATTCCCCTCCAGG-3'

ClinVar aggregate classification (germline): Pathogenic (1 of 4 stars; one submission).

Submission:

Labcorp Genetics (formerly Invitae), Labcorp
Classification: Pathogenic. Last evaluated: 2024-01-15. Review status: criteria provided, single submitter. Criteria: Invitae Variant Classification Sherloc (09022015). Collection method: clinical testing. Allele origin: germline.
Comment: This sequence change creates a premature translational stop signal (p.Ile2070Metfs*18) in the FLNB gene. It is expected to result in an absent or disrupted protein product. Loss-of-function variants in FLNB are known to be pathogenic (PMID: 14991055). This variant is not present in population databases (gnomAD no frequency). This variant has not been reported in the literature in individuals affected with FLNB-related conditions. For these reasons, this variant has been classified as Pathogenic.

Literature cited by the submitters: PubMed 14991055.